The following is an entry in ClinVar:

ClinVar aggregate classification (germline): Pathogenic (1 of 4 stars; one submission).

Conditions:
Loeys-Dietz syndrome 4 (LDS4). Also called: ANEURYSM, AORTIC AND CEREBRAL, WITH ARTERIAL TORTUOSITY AND SKELETAL MANIFESTATIONS; TGFB2-Related Loeys-Dietz Syndrome. Identifiers: MedGen C3553762, MONDO:0013897, OMIM 614816.

Submission:

Labcorp Genetics (formerly Invitae), Labcorp
Classification: Pathogenic for Loeys-Dietz syndrome 4. Last evaluated: 2024-01-19. Review status: criteria provided, single submitter. Criteria: Invitae Variant Classification Sherloc (09022015). Collection method: clinical testing. Allele origin: germline.
Comment: This sequence change creates a premature translational stop signal (p.Asp30Alafs*16) in the TGFB2 gene. It is expected to result in an absent or disrupted protein product. Loss-of-function variants in TGFB2 are known to be pathogenic (PMID: 22772368, 22772371, 30739908). This variant is not present in population databases (gnomAD no frequency). This variant has not been reported in the literature in individuals affected with TGFB2-related conditions. For these reasons, this variant has been classified as Pathogenic.

Literature cited by the submitters: PubMed 22772368; PubMed 22772371; PubMed 30739908.

NM_003238.6(TGFB2):c.89del (p.Asp30fs)

Gene: TGFB2 (transforming growth factor beta 2; plus strand). Cytogenetic location: 1q41.
Variant type: Deletion.
Coding change: c.89del on transcript NM_003238.6 (MANE Select); coding-DNA position 89, one base deleted (A; older notation c.89delA).
Protein change: p.Asp30fs; shifts the reading frame from aspartic acid 30.
Molecular consequence: frameshift variant. On other transcripts: non-coding transcript variant (2).
Genome position (GRCh38, 1-based): chr1:218,346,790, A deleted. VCF-style (leftmost placement, unchanged base first): chr1-218346789-GA-G. GRCh37 (hg19) VCF-style: chr1-218520131-GA-G.
Other names: c.89del, p.Asp30fs (NM_001135599.4); short protein forms D30fs.
Identifiers: ClinVar variation 2752143 (VCV002752143.3), dbSNP rs2464548803, ClinGen allele CA2697554954.